The following is an entry in ClinVar:

NM_199242.3(UNC13D):c.973G>A (p.Gly325Arg)

Gene: UNC13D (unc-13 homolog D; minus strand). Cytogenetic location: 17q25.1.
Variant type: single nucleotide variant.
Coding change: c.973G>A on transcript NM_199242.3 (MANE Select); coding-DNA position 973, G replaced by A.
Protein change: p.Gly325Arg; replaces glycine 325 with arginine.
Molecular consequence: missense variant.
Genome position (GRCh38, 1-based): chr17:75,839,921, C>T on the plus strand (G>A on the coding strand, the complement: UNC13D is on the minus strand). VCF-style: chr17-75839921-C-T. GRCh37 (hg19) VCF-style: chr17-73836002-C-T.
Other names: short protein forms G325R.
Identifiers: ClinVar variation 1023637 (VCV001023637.4), dbSNP rs199909864, ClinGen allele CA8773177.
Genomic context (GRCh38, chr17:75,839,921, plus strand): 5'-ATAGGTCCTTCTGTGTGGCGTGCAGAAAGAGGACGGTGGCAGCCTGGGGACTCAGCGACC[C>T]GTCCCAGGAGGTGCTTCCCGCCTGAGGGGAGCAGGTGGAGGAGTGTCAGGACCTGAAGGG-3'
Protein context (NP_954712.1, residues 315-335): QHEAGSTSWD[Gly325Arg]SLSPQAATVL

ClinVar aggregate classification (germline): Uncertain significance (1 of 4 stars; one submission).

Conditions:
Familial hemophagocytic lymphohistiocytosis 3 (FHL3). Also called: UNC13D-Related Familial Hemophagocytic Lymphohistiocytosis (UNC13D-fHLH). Identifiers: Orphanet 540, MedGen C1837174, MONDO:0012146, OMIM 608898.

Allele frequency attached by ClinVar (database versions not stated): ExAC 0.00003; gnomAD 0.00003 and 0.00004; gnomAD exomes 0.00006; TOPMed 0.00006.
gnomAD v4.1: 56 of 1,613,648 alleles (0.0035%); highest among the groups gnomAD compares: Admixed American, 0.032%; no homozygotes.

Submission:

Labcorp Genetics (formerly Invitae), Labcorp
Classification: Uncertain significance for Familial hemophagocytic lymphohistiocytosis 3. Last evaluated: 2022-10-13. Review status: criteria provided, single submitter. Criteria: Invitae Variant Classification Sherloc (09022015). Collection method: clinical testing. Allele origin: germline.
Comment: This sequence change replaces glycine, which is neutral and non-polar, with arginine, which is basic and polar, at codon 325 of the UNC13D protein (p.Gly325Arg). This variant is present in population databases (rs199909864, gnomAD 0.03%). This variant has not been reported in the literature in individuals affected with UNC13D-related conditions. ClinVar contains an entry for this variant (Variation ID: 1023637). Advanced modeling of protein sequence and biophysical properties (such as structural, functional, and spatial information, amino acid conservation, physicochemical variation, residue mobility, and thermodynamic stability) performed at Invitae indicates that this missense variant is expected to disrupt UNC13D protein function. In summary, the available evidence is currently insufficient to determine the role of this variant in disease. Therefore, it has been classified as a Variant of Uncertain Significance.